The following is an entry in ClinVar:

ClinVar aggregate classification (germline): Likely benign (1 of 4 stars; one submission).

gnomAD v4.1: 3 of 1,614,050 alleles (0.00019%); highest among the groups gnomAD compares: East Asian, 0.0022%; no homozygotes.

Submission:

CeGaT Center for Human Genetics Tuebingen
Classification: Likely benign. Last evaluated: 2026-01-01. Review status: criteria provided, single submitter. Criteria: CeGaT Center For Human Genetics Tuebingen Variant Classification Criteria Version 2. Collection method: clinical testing. Allele origin: germline. Affected: yes. Observed: 1 variant allele.
Comment: TRIO: BP4, BP7

NM_007118.4(TRIO):c.1308C>T (p.Ala436=)

Gene: TRIO (trio Rho guanine nucleotide exchange factor; plus strand). Cytogenetic location: 5p15.2.
Variant type: single nucleotide variant.
Coding change: c.1308C>T on transcript NM_007118.4 (MANE Select); coding-DNA position 1308, C replaced by T.
Protein change: p.Ala436=; no amino-acid change (alanine 436 retained).
Molecular consequence: synonymous variant. On other transcripts: non-coding transcript variant (1).
Genome position (GRCh38, 1-based): chr5:14,297,203, C>T. VCF-style: chr5-14297203-C-T. GRCh37 (hg19) VCF-style: chr5-14297312-C-T.
Identifiers: ClinVar variation 4822414 (VCV004822414.4).
Genomic context (GRCh38, chr5:14,297,203, plus strand): 5'-GCAGCAGATCAGGCAGATCGCGAGTCAGCTGGAGCAGGAGTGGAAGGCGTTTGCGGCAGC[C>T]CTGGATGAGCGGAGCACCTTGCTGGACATGTCCTCCATTTTCCACCAGAAGGCCGAAAAG-3'
Protein context (NP_009049.2, residues 426-446): LEQEWKAFAA[Ala436=]LDERSTLLDM